The following is an entry in ClinVar:

ClinVar aggregate classification (germline): Uncertain significance (1 of 4 stars; one submission).

Conditions:
Inborn genetic diseases. Identifiers: MedGen C0950123, MeSH D030342.

Submission:

Ambry Genetics
Classification: Uncertain significance for Inborn genetic diseases. Last evaluated: 2021-07-16. Review status: criteria provided, single submitter. Criteria: Ambry Variant Classification Scheme 2023. Collection method: clinical testing. Allele origin: germline.
Comment: The p.T1849I variant (also known as c.5546C>T), located in coding exon 38 of the LRRK2 gene, results from a C to T substitution at nucleotide position 5546. The threonine at codon 1849 is replaced by isoleucine, an amino acid with similar properties. This amino acid position is conserved. In addition, the in silico prediction for this alteration is inconclusive. Since supporting evidence is limited at this time, the clinical significance of this alteration remains unclear.

NM_198578.4(LRRK2):c.5546C>T (p.Thr1849Ile)

Gene: LRRK2 (leucine rich repeat kinase 2; plus strand). Cytogenetic location: 12q12.
Variant type: single nucleotide variant.
Coding change: c.5546C>T on transcript NM_198578.4 (MANE Select); coding-DNA position 5546, C replaced by T.
Protein change: p.Thr1849Ile; replaces threonine 1849 with isoleucine.
Molecular consequence: missense variant.
Genome position (GRCh38, 1-based): chr12:40,323,196, C>T. VCF-style: chr12-40323196-C-T. GRCh37 (hg19) VCF-style: chr12-40716998-C-T.
Other names: short protein forms T1849I.
Identifiers: ClinVar variation 1748218 (VCV001748218.2), dbSNP rs2499888883, ClinGen allele CA384421026.